The following is an entry in ClinVar:

NM_001378457.1(DMXL2):c.8194A>G (p.Lys2732Glu)

Gene: DMXL2 (Dmx like 2; minus strand). Cytogenetic location: 15q21.2.
Variant type: single nucleotide variant.
Coding change: c.8194A>G on transcript NM_001378457.1 (MANE Select); coding-DNA position 8194, A replaced by G.
Protein change: p.Lys2732Glu; replaces lysine 2732 with glutamic acid.
Molecular consequence: missense variant. On other transcripts: non-coding transcript variant (2).
Genome position (GRCh38, 1-based): chr15:51,458,510, T>C on the plus strand (A>G on the coding strand, the complement: DMXL2 is on the minus strand). VCF-style: chr15-51458510-T-C. GRCh37 (hg19) VCF-style: chr15-51750707-T-C.
Other names: c.8131A>G, p.Lys2711Glu (NM_001174116.3); c.6220A>G, p.Lys2074Glu (NM_001174117.3); c.8191A>G, p.Lys2731Glu (NM_001378458.1); c.7906A>G, p.Lys2636Glu (NM_001378459.1); c.6109A>G, p.Lys2037Glu (NM_001378460.1); c.8128A>G, p.Lys2710Glu (NM_015263.5); short protein forms K2710E, K2732E, K2037E, K2731E, K2074E, K2636E, K2711E.
Identifiers: ClinVar variation 2809063 (VCV002809063.3), dbSNP rs1372123433, ClinGen allele CA392436613.
Genomic context (GRCh38, chr15:51,458,510, plus strand): 5'-CATTTGGTGGGTACTTCTTACAGAAAACTATATGTAAAAGTGACTATGAGACAAACCTTT[T>C]GGATTCTCTGTCATATTCTTCTCCGATCCATATGTATGACTGACAGGCCAGTAGAGAAGT-3'
Protein context (NP_001365386.1, residues 2722-2742): WIGEEYDRES[Lys2732Glu]SSDDVDYRGS

ClinVar aggregate classification (germline): Uncertain significance (1 of 4 stars; one submission).

Allele frequency attached by ClinVar (database versions not stated): gnomAD exomes below 0.00001.
gnomAD v4.1: 2 of 1,613,420 alleles (0.00012%); highest among the groups gnomAD compares: East Asian, 0.0022%; no homozygotes.

Submission:

Labcorp Genetics (formerly Invitae), Labcorp
Classification: Uncertain significance. Last evaluated: 2022-10-25. Review status: criteria provided, single submitter. Criteria: Invitae Variant Classification Sherloc (09022015). Collection method: clinical testing. Allele origin: germline.
Comment: This sequence change replaces lysine, which is basic and polar, with glutamic acid, which is acidic and polar, at codon 2711 of the DMXL2 protein (p.Lys2711Glu). This variant is present in population databases (no rsID available, gnomAD 0.006%). This variant has not been reported in the literature in individuals affected with DMXL2-related conditions. Algorithms developed to predict the effect of missense changes on protein structure and function are either unavailable or do not agree on the potential impact of this missense change (SIFT: "Tolerated"; PolyPhen-2: "Possibly Damaging"; Align-GVGD: "Class C0"). In summary, the available evidence is currently insufficient to determine the role of this variant in disease. Therefore, it has been classified as a Variant of Uncertain Significance.